The following is an entry in ClinVar:

ClinVar aggregate classification (germline): Uncertain significance (1 of 4 stars; one submission).

Conditions:
Norman-Roberts syndrome (LIS2). Also called: Lissencephaly 2 (Norman-Roberts type). Identifiers: Orphanet 89844, MedGen C0796089, MONDO:0009760, OMIM 257320.
Familial temporal lobe epilepsy 7. Identifiers: Orphanet 101046, MedGen C4225327, MONDO:0014639, OMIM 616436.

Allele frequency attached by ClinVar (database versions not stated): gnomAD exomes below 0.00001.
gnomAD v4.1: 2 of 1,614,154 alleles (0.00012%); highest among the groups gnomAD compares: East Asian, 0.0045%; no homozygotes.

Submission:

Labcorp Genetics (formerly Invitae), Labcorp
Classification: Uncertain significance for Familial temporal lobe epilepsy 7; Norman-Roberts syndrome. Last evaluated: 2022-05-16. Review status: criteria provided, single submitter. Criteria: Invitae Variant Classification Sherloc (09022015). Collection method: clinical testing. Allele origin: germline.
Comment: Algorithms developed to predict the effect of missense changes on protein structure and function are either unavailable or do not agree on the potential impact of this missense change (SIFT: "Deleterious"; PolyPhen-2: "Benign"; Align-GVGD: "Class C0"). In summary, the available evidence is currently insufficient to determine the role of this variant in disease. Therefore, it has been classified as a Variant of Uncertain Significance. This sequence change replaces tyrosine, which is neutral and polar, with serine, which is neutral and polar, at codon 1973 of the RELN protein (p.Tyr1973Ser). This variant is not present in population databases (gnomAD no frequency). This variant has not been reported in the literature in individuals affected with RELN-related conditions.

NM_005045.4(RELN):c.5918A>C (p.Tyr1973Ser)

Gene: RELN (reelin; minus strand). Cytogenetic location: 7q22.1.
Variant type: single nucleotide variant.
Coding change: c.5918A>C on transcript NM_005045.4 (MANE Select); coding-DNA position 5918, A replaced by C.
Protein change: p.Tyr1973Ser; replaces tyrosine 1973 with serine.
Molecular consequence: missense variant.
Genome position (GRCh38, 1-based): chr7:103,553,711, T>G on the plus strand (A>C on the coding strand, the complement: RELN is on the minus strand). VCF-style: chr7-103553711-T-G. GRCh37 (hg19) VCF-style: chr7-103194158-T-G.
Other names: c.5918A>C, p.Tyr1973Ser (NM_173054.3); short protein forms Y1973S.
Identifiers: ClinVar variation 2062034 (VCV002062034.4), dbSNP rs1830464268, ClinGen allele CA368739687.